The following is an entry in ClinVar:

ClinVar aggregate classification (germline): Uncertain significance (1 of 4 stars; one submission).

Conditions:
Charcot-Marie-Tooth disease axonal type 2V. Also called: CHARCOT-MARIE-TOOTH NEUROPATHY, TYPE 2V; CHARCOT-MARIE-TOOTH DISEASE, AXONAL, AUTOSOMAL DOMINANT, TYPE 2V. Identifiers: Orphanet 447964, MedGen C5569050, MONDO:0014665, OMIM 616491.
Mucopolysaccharidosis, MPS-III-B (MPS3B). Also called: N-ACETYL-ALPHA-D-GLUCOSAMINIDASE DEFICIENCY; NAGLU DEFICIENCY; SANFILIPPO SYNDROME B; MPS III B; MUCOPOLYSACCHARIDOSIS, TYPE IIIB; MPS IIIB (Sanfilippo Syndrome Type B). Identifiers: Orphanet 79270, MedGen C0086648, MONDO:0009656, OMIM 252920.

Submission:

Labcorp Genetics (formerly Invitae), Labcorp
Classification: Uncertain significance for Charcot-Marie-Tooth disease axonal type 2V; Mucopolysaccharidosis, MPS-III-B. Last evaluated: 2022-03-01. Review status: criteria provided, single submitter. Criteria: Invitae Variant Classification Sherloc (09022015). Collection method: clinical testing. Allele origin: germline.
Comment: In summary, the available evidence is currently insufficient to determine the role of this variant in disease. Therefore, it has been classified as a Variant of Uncertain Significance. Advanced modeling of protein sequence and biophysical properties (such as structural, functional, and spatial information, amino acid conservation, physicochemical variation, residue mobility, and thermodynamic stability) performed at Invitae indicates that this missense variant is not expected to disrupt NAGLU protein function. This variant has not been reported in the literature in individuals affected with NAGLU-related conditions. This variant is not present in population databases (gnomAD no frequency). This sequence change replaces alanine, which is neutral and non-polar, with serine, which is neutral and polar, at codon 181 of the NAGLU protein (p.Ala181Ser).

NM_000263.4(NAGLU):c.541G>T (p.Ala181Ser)

Gene: NAGLU (N-acetyl-alpha-glucosaminidase; plus strand). Cytogenetic location: 17q21.2.
Variant type: single nucleotide variant.
Coding change: c.541G>T on transcript NM_000263.4 (MANE Select); coding-DNA position 541, G replaced by T.
Protein change: p.Ala181Ser; replaces alanine 181 with serine.
Molecular consequence: missense variant.
Genome position (GRCh38, 1-based): chr17:42,538,348, G>T. VCF-style: chr17-42538348-G-T. GRCh37 (hg19) VCF-style: chr17-40690366-G-T.
Other names: short protein forms A181S.
Identifiers: ClinVar variation 2090840 (VCV002090840.4), dbSNP rs2510653154, ClinGen allele CA399598349.